The following is an entry in ClinVar:

ClinVar aggregate classification (germline): Uncertain significance. Review status: criteria provided, multiple submitters, no conflicts (2 of 4 stars). 2 submissions from 2 submitters: Uncertain significance (2). Last evaluated 2025-09-16.

Conditions:
Dilated cardiomyopathy 1G (CMD1G). Identifiers: Orphanet 154, MedGen C1858763, MONDO:0011400, OMIM 604145.
Autosomal recessive limb-girdle muscular dystrophy type 2J (LGMDR10). Also called: Limb-girdle muscular dystrophy, type 2J; MUSCULAR DYSTROPHY, LIMB-GIRDLE, AUTOSOMAL RECESSIVE 10. Identifiers: Orphanet 140922, MedGen C1837342, MONDO:0012127, OMIM 608807.

Allele frequency attached by ClinVar (database versions not stated): TOPMed below 0.00001.

Submissions (2):

Labcorp Genetics (formerly Invitae), Labcorp
Classification: Uncertain significance for Dilated cardiomyopathy 1G; Autosomal recessive limb-girdle muscular dystrophy type 2J. Last evaluated: 2025-09-16. Review status: criteria provided, single submitter. Criteria: Invitae Variant Classification Sherloc (09022015). Collection method: clinical testing. Allele origin: germline.
Comment: This sequence change replaces lysine, which is basic and polar, with asparagine, which is neutral and polar, at codon 35393 of the TTN protein (p.Lys35393Asn). This variant is not present in population databases (gnomAD no frequency). This variant has not been reported in the literature in individuals affected with TTN-related conditions. ClinVar contains an entry for this variant (Variation ID: 1906541). Experimental studies and prediction algorithms are not available or were not evaluated, and the functional significance of this variant is currently unknown. This variant is located in the M band of TTN (PMID: 25589632). Non-truncating variants in this region may be relevant for neuromuscular disorders, but have not been definitively shown to cause cardiomyopathy (PMID: 23975875). In summary, the available evidence is currently insufficient to determine the role of this variant in disease. Therefore, it has been classified as a Variant of Uncertain Significance.

GeneDx
Classification: Uncertain significance. Last evaluated: 2025-05-22. Review status: criteria provided, single submitter. Criteria: GeneDx Variant Classification Process June 2021. Collection method: clinical testing. Allele origin: germline. Affected: yes.
Comment: Not observed at significant frequency in large population cohorts (gnomAD); Missense variant in a gene in which most reported pathogenic variants are truncating/loss of function; Has not been previously published as pathogenic or benign to our knowledge

Literature cited by the submitters: PubMed 25589632 (cited by Labcorp Genetics (formerly Invitae), Labcorp); PubMed 23975875 (cited by Labcorp Genetics (formerly Invitae), Labcorp).

NM_001267550.2(TTN):c.106179G>C (p.Lys35393Asn)

Genes: TTN-AS1 (TTN antisense RNA 1; plus strand), TTN (titin; minus strand), LOC129935182 (ATAC-STARR-seq lymphoblastoid active region 16807; plus strand). Cytogenetic location: 2q31.2.
Variant type: single nucleotide variant.
Coding change: c.106179G>C on transcript NM_001267550.2 (MANE Select); coding-DNA position 106179, G replaced by C.
Protein change: p.Lys35393Asn; replaces lysine 35393 with asparagine.
Molecular consequence: missense variant.
Genome position (GRCh38, 1-based): chr2:178,530,436, C>G on the plus strand (G>C on the coding strand, the complement: TTN is on the minus strand). VCF-style: chr2-178530436-C-G. GRCh37 (hg19) VCF-style: chr2-179395163-C-G.
Other names: c.101256G>C, p.Lys33752Asn (NM_001256850.1); c.78984G>C, p.Lys26328Asn (NM_003319.4); c.98475G>C, p.Lys32825Asn (NM_133378.4); c.79359G>C, p.Lys26453Asn (NM_133432.3); c.79560G>C, p.Lys26520Asn (NM_133437.4); short protein forms K26328N, K26520N, K32825N, K35393N, K26453N, K33752N.
Identifiers: ClinVar variation 1906541 (VCV001906541.6), dbSNP rs1421820389, ClinGen allele CA349406757.